The following is an entry in ClinVar:

NM_001286611.2(REPS1):c.367C>G (p.Gln123Glu)

Gene: REPS1 (RALBP1 associated Eps domain containing 1; minus strand). Cytogenetic location: 6q24.1.
Variant type: single nucleotide variant.
Coding change: c.367C>G on transcript NM_001286611.2 (MANE Select); coding-DNA position 367, C replaced by G.
Protein change: p.Gln123Glu; replaces glutamine 123 with glutamic acid.
Molecular consequence: missense variant.
Genome position (GRCh38, 1-based): chr6:138,945,608, G>C on the plus strand (C>G on the coding strand, the complement: REPS1 is on the minus strand). VCF-style: chr6-138945608-G-C. GRCh37 (hg19) VCF-style: chr6-139266745-G-C.
Other names: c.367C>G, p.Gln123Glu (NM_001128617.3, NM_001286612.2, NM_031922.5); short protein forms Q123E.
Identifiers: ClinVar variation 2005106 (VCV002005106.4), dbSNP rs2483028387, ClinGen allele CA365815272.

ClinVar aggregate classification (germline): Uncertain significance (1 of 4 stars; one submission).

Submission:

Labcorp Genetics (formerly Invitae), Labcorp
Classification: Uncertain significance. Last evaluated: 2022-06-12. Review status: criteria provided, single submitter. Criteria: Invitae Variant Classification Sherloc (09022015). Collection method: clinical testing. Allele origin: germline.
Comment: In summary, the available evidence is currently insufficient to determine the role of this variant in disease. Therefore, it has been classified as a Variant of Uncertain Significance. Algorithms developed to predict the effect of missense changes on protein structure and function (SIFT, PolyPhen-2, Align-GVGD) all suggest that this variant is likely to be tolerated. This variant has not been reported in the literature in individuals affected with REPS1-related conditions. This variant is not present in population databases (gnomAD no frequency). This sequence change replaces glutamine, which is neutral and polar, with glutamic acid, which is acidic and polar, at codon 123 of the REPS1 protein (p.Gln123Glu).